The following is an entry in ClinVar:

NM_012062.5(DNM1L):c.1541A>C (p.Glu514Ala)

Gene: DNM1L (dynamin 1 like; plus strand). Cytogenetic location: 12p11.21.
Variant type: single nucleotide variant.
Coding change: c.1541A>C on transcript NM_012062.5 (MANE Select); coding-DNA position 1541, A replaced by C.
Protein change: p.Glu514Ala; replaces glutamic acid 514 with alanine.
Molecular consequence: missense variant.
Genome position (GRCh38, 1-based): chr12:32,737,106, A>C. VCF-style: chr12-32737106-A-C. GRCh37 (hg19) VCF-style: chr12-32890040-A-C.
Other names: c.1541A>C, p.Glu514Ala (NM_001278463.2, NM_005690.5, NM_012063.4); c.1580A>C, p.Glu527Ala (NM_001278464.2, NM_001278465.2, NM_001330380.2); c.932A>C, p.Glu311Ala (NM_001278466.2); short protein forms E514A, E527A, E311A.
Identifiers: ClinVar variation 2860397 (VCV002860397.3), dbSNP rs2541104947, ClinGen allele CA384360661.

ClinVar aggregate classification (germline): Uncertain significance (1 of 4 stars; one submission).

Submission:

Labcorp Genetics (formerly Invitae), Labcorp
Classification: Uncertain significance. Last evaluated: 2023-10-17. Review status: criteria provided, single submitter. Criteria: Invitae Variant Classification Sherloc (09022015). Collection method: clinical testing. Allele origin: germline.
Comment: This sequence change replaces glutamic acid, which is acidic and polar, with alanine, which is neutral and non-polar, at codon 514 of the DNM1L protein (p.Glu514Ala). This variant is not present in population databases (gnomAD no frequency). This variant has not been reported in the literature in individuals affected with DNM1L-related conditions. An algorithm developed to predict the effect of missense changes on protein structure and function (PolyPhen-2) suggests that this variant is likely to be tolerated. In summary, the available evidence is currently insufficient to determine the role of this variant in disease. Therefore, it has been classified as a Variant of Uncertain Significance.